The following is an entry in ClinVar:

ClinVar aggregate classification (germline): Pathogenic. Review status: criteria provided, single submitter (1 of 4 stars). 2 submissions from 2 submitters: Pathogenic (1). 1 of the submissions does not count toward it. Last evaluated 2016-06-14.

Conditions:
Sjögren-Larsson syndrome (SLS). Also called: ICHTHYOSIS, SPASTIC NEUROLOGIC DISORDER, AND OLIGOPHRENIA; FALDH DEFICIENCY; FATTY ALCOHOL:NAD+ OXIDOREDUCTASE DEFICIENCY; FATTY ALDEHYDE DEHYDROGENASE DEFICIENCY. Identifiers: Orphanet 816, MedGen C0037231, MONDO:0010031, OMIM 270200.

Submissions (2):

GeneDx
Classification: Pathogenic. Last evaluated: 2016-06-14. Review status: criteria provided, single submitter. Criteria: GeneDx Variant Classification (06012015). Collection method: clinical testing. Allele origin: germline. Affected: yes.
Comment: To our knowledge, the c.574dupA pathogenic variant in the ALDH3A2 gene has not been reported previously as a pathogenic variant nor as a benign variant. It causes a frameshift starting with codon Isoleucine 192, changes this amino acid to an Asparagine residue, and creates a premature Stop codon at position 16 of the new reading frame, denoted p.p.Ile192AsnfsX16. This variant is predicted to cause loss of normal protein function either through protein truncation or nonsense-mediated mRNA decay. In addition, the c.574dupA variant was not observed in approximately 6,500 individuals of European and African American ancestry in the NHLBI Exome Sequencing Project, indicating it is not a common benign variant in these populations. We interpret c.574dupA as a pathogenic variant.

Counsyl
Classification: Likely pathogenic for Sjögren-Larsson syndrome. Last evaluated: 2016-04-08. Review status: no assertion criteria provided. Collection method: clinical testing. Allele origin: unknown. Not counted in ClinVar's aggregate classification.

NM_000382.3(ALDH3A2):c.574dup (p.Ile192fs)

Gene: ALDH3A2 (aldehyde dehydrogenase 3 family member A2; plus strand). Cytogenetic location: 17p11.2.
Variant type: Duplication.
Coding change: c.574dup on transcript NM_000382.3 (MANE Select); coding-DNA position 574, one base duplicated (A; older notation c.574dupA).
Protein change: p.Ile192fs; shifts the reading frame from isoleucine 192.
Molecular consequence: frameshift variant. On other transcripts: 5 prime UTR variant (1).
Genome position (GRCh38, 1-based): chr17:19,656,468, A duplicated; the last of 4 consecutive A bases (chr17:19,656,465-19,656,468); duplicating any one gives the same sequence. VCF-style (leftmost placement, unchanged base first): chr17-19656464-C-CA. GRCh37 (hg19) VCF-style: chr17-19559777-C-CA.
Other names: c.574dup, p.Ile192fs (NM_001031806.2, NM_001369136.1, NM_001369137.2 and 3 more transcripts); c.-6dup (NM_001369148.2); short protein forms I192fs.
Identifiers: ClinVar variation 280660 (VCV000280660.4), dbSNP rs772967175, ClinGen allele CA8442854.